The following is an entry in ClinVar:

ClinVar aggregate classification (germline): Uncertain significance. Review status: criteria provided, multiple submitters, no conflicts (2 of 4 stars). 2 submissions from 2 submitters: Uncertain significance (2). Last evaluated 2026-04-25.

Conditions:
SLC26A5-related disorder. Also called: SLC26A5-related condition.
Inborn genetic diseases. Identifiers: MedGen C0950123, MeSH D030342.

Allele frequency attached by ClinVar (database versions not stated): gnomAD 0.00005; gnomAD exomes 0.00008; TOPMed 0.00009; ExAC 0.00011.
gnomAD v4.1: 129 of 1,603,132 alleles (0.008%); highest among the groups gnomAD compares: Non-Finnish European, 0.0097%; no homozygotes.

Submissions (2):

PreventionGenetics, part of Exact Sciences
Classification: Uncertain significance for SLC26A5-related condition. Last evaluated: 2026-04-25. Review status: criteria provided, single submitter. Criteria: ACMG Guidelines, 2015. Collection method: clinical testing. Allele origin: germline.
Comment: The SLC26A5 c.2008G>A variant is predicted to result in the amino acid substitution p.Val670Ile. To our knowledge, this variant has not been reported in the literature. This variant is reported in 0.016% of alleles in individuals of European (Non-Finnish) descent in gnomAD. At this time, the clinical significance of this variant is uncertain due to the absence of conclusive functional and genetic evidence.

Ambry Genetics
Classification: Uncertain significance for Inborn genetic diseases. Last evaluated: 2021-09-01. Review status: criteria provided, single submitter. Criteria: Ambry Variant Classification Scheme 2023. Collection method: clinical testing. Allele origin: germline.

NM_198999.3(SLC26A5):c.2008G>A (p.Val670Ile)

Gene: SLC26A5 (solute carrier family 26 member 5; minus strand). Cytogenetic location: 7q22.1.
Variant type: single nucleotide variant.
Coding change: c.2008G>A on transcript NM_198999.3 (MANE Select); coding-DNA position 2008, G replaced by A.
Protein change: p.Val670Ile; replaces valine 670 with isoleucine.
Molecular consequence: missense variant. On other transcripts: non-coding transcript variant (5), intron variant (2).
Genome position (GRCh38, 1-based): chr7:103,376,841, C>T on the plus strand (G>A on the coding strand, the complement: SLC26A5 is on the minus strand). VCF-style: chr7-103376841-C-T. GRCh37 (hg19) VCF-style: chr7-103017288-C-T.
Other names: c.1912G>A, p.Val638Ile (NM_001167962.2, NM_001321787.2); c.2008G>A, p.Val670Ile (NM_206883.3); c.971+21091G>A (NM_206885.3); c.1514+12167G>A (NM_206884.3); short protein forms V638I, V670I.
Identifiers: ClinVar variation 2368081 (VCV002368081.3), dbSNP rs200013738, ClinGen allele CA4419318.
Genomic context (GRCh38, chr7:103,376,841, plus strand): 5'-TTCACCCCATCTTAGAGGTATACTCACCACTGCATCCTGCTAAGTATACATATATACCGA[C>T]GTCTCCATATTCTTTTACAATCTGTAATAATGTTGAAATAAAATTTAGTTTCTCTTTACT-3'
Protein context (NP_945350.1, residues 660-680): LAGIVKEYGD[Val670Ile]GIYVYLAGCS